The following is an entry in ClinVar:

NM_005477.3(HCN4):c.3218C>G (p.Pro1073Arg)

Gene: HCN4 (hyperpolarization activated cyclic nucleotide gated potassium channel 4; minus strand). Cytogenetic location: 15q24.1.
Variant type: single nucleotide variant.
Coding change: c.3218C>G on transcript NM_005477.3 (MANE Select); coding-DNA position 3218, C replaced by G.
Protein change: p.Pro1073Arg; replaces proline 1073 with arginine.
Molecular consequence: missense variant.
Genome position (GRCh38, 1-based): chr15:73,322,875, G>C on the plus strand (C>G on the coding strand, the complement: HCN4 is on the minus strand). VCF-style: chr15-73322875-G-C. GRCh37 (hg19) VCF-style: chr15-73615216-G-C.
Other names: c.3218C>G (NM_005477.2); short protein forms P1073R.
Identifiers: ClinVar variation 3020758 (VCV003020758.5), dbSNP rs982016034, ClinGen allele CA272663565.
Genomic context (GRCh38, chr15:73,322,875, plus strand): 5'-AGGGCTGGCTGAGACGCGGAGATGAGCTTGAGGTCCTGGGTGAGGCGGCCGGGGGTGAGC[G>C]GGGGTGTGCCCCGGCGCTGGGGGACCTGGGGTGGTGGGGGGCTGGATGCAGGTGGCAGGA-3'
Protein context (NP_005468.1, residues 1063-1083): PQVPQRRGTP[Pro1073Arg]LTPGRLTQDL

ClinVar aggregate classification (germline): Uncertain significance. Review status: criteria provided, multiple submitters, no conflicts (2 of 4 stars). 2 submissions from 2 submitters: Uncertain significance (2). Last evaluated 2025-07-02.

Conditions:
Cardiovascular phenotype. Identifiers: MedGen CN230736.
Brugada syndrome 8 (BRGDA8). Identifiers: Orphanet 130, MedGen C2751083, MONDO:0013148, OMIM 613123.

gnomAD v4.1: 1 of 1,476,018 alleles (0.000068%); highest among the groups gnomAD compares: African/African-American, 0.0014%; no homozygotes.

Submissions (2):

Ambry Genetics
Classification: Uncertain significance for Cardiovascular phenotype. Last evaluated: 2025-07-02. Review status: criteria provided, single submitter. Criteria: Ambry Variant Classification Scheme 2023. Collection method: clinical testing. Allele origin: germline.

Labcorp Genetics (formerly Invitae), Labcorp
Classification: Uncertain significance for Brugada syndrome 8. Last evaluated: 2023-07-20. Review status: criteria provided, single submitter. Criteria: Invitae Variant Classification Sherloc (09022015). Collection method: clinical testing. Allele origin: germline.
Comment: Advanced modeling of protein sequence and biophysical properties (such as structural, functional, and spatial information, amino acid conservation, physicochemical variation, residue mobility, and thermodynamic stability) performed at Invitae indicates that this missense variant is not expected to disrupt HCN4 protein function. In summary, the available evidence is currently insufficient to determine the role of this variant in disease. Therefore, it has been classified as a Variant of Uncertain Significance. This sequence change replaces proline, which is neutral and non-polar, with arginine, which is basic and polar, at codon 1073 of the HCN4 protein (p.Pro1073Arg). This variant has not been reported in the literature in individuals affected with HCN4-related conditions. This variant is not present in population databases (gnomAD no frequency).